The following is an entry in ClinVar:

ClinVar aggregate classification (germline): Uncertain significance. Review status: criteria provided, multiple submitters, no conflicts (2 of 4 stars). 2 submissions from 2 submitters: Uncertain significance (2). Last evaluated 2025-03-31.

Conditions:
Familial renal glucosuria (GLYS). Also called: RENAL GLUCOSURIA, AUTOSOMAL DOMINANT; Familial renal glycosuria. Identifiers: Orphanet 69076, MedGen C3245525, MONDO:0009297, OMIM 233100.
Inborn genetic diseases. Identifiers: MedGen C0950123, MeSH D030342.

Allele frequency attached by ClinVar (database versions not stated): gnomAD exomes below 0.00001; TOPMed below 0.00001; gnomAD 0.00001.
gnomAD v4.1: 6 of 1,613,758 alleles (0.00037%); highest among the groups gnomAD compares: Non-Finnish European, 0.00051%; no homozygotes.

Submissions (2):

Victorian Clinical Genetics Services, Murdoch Childrens Research Institute
Classification: Uncertain significance for Familial renal glucosuria. Last evaluated: 2025-03-31. Review status: criteria provided, single submitter. Criteria: ACMG Guidelines, 2015. Collection method: clinical testing. Allele origin: germline. Affected: yes.
Comment: This variant is classified as VUS-3A. Evidence in support of pathogenic classification: Variant is present in gnomAD <0.01 (v4: 6 heterozygote(s), 0 homozygote(s)); Missense variant predicted to be damaging by in silico tool(s) or highly conserved with a major amino acid change; Very strong and specific phenotype match for this individual. Additional information: Variant is predicted to result in a missense amino acid change from tyrosine to histidine; This variant is heterozygous; This gene is associated with both recessive and dominant disease. Variants in this gene have been reported to cause both dominant and recessive disease, with recessive disease being more severe and with earlier onset (OMIM, PMID: 22314875, 28365451, 24908283); Previous evidence of pathogenicity for this variant is inconclusive. This variant is classified as a VUS by a clinical laboratory in ClinVar and has been identified in two heterozygous individuals; one with neuropathy features and one with short stature, brachydactyly, glucosuria and ADHD (personal communication); No published segregation evidence has been identified for this variant; No published functional evidence has been identified for this variant; No comparable missense variants have previous evidence for pathogenicity; Variant is located in the annotated sodium:solute symporter family domain (DECIPHER) - Loss of function is a known mechanism of disease in this gene and is associated with renal glucosuria (MIM#233100); The dominant condition associated with this gene has incomplete penetrance. The same variants have been reported as heterozygous in both affected and unaffected individuals (PMID: 28365451, 21165652); Inheritance information for this variant is not currently available in this individual.

Ambry Genetics
Classification: Uncertain significance for Inborn genetic diseases. Last evaluated: 2024-04-29. Review status: criteria provided, single submitter. Criteria: Ambry Variant Classification Scheme 2023. Collection method: clinical testing. Allele origin: germline.
Comment: The c.697T>C (p.Y233H) alteration is located in exon 7 (coding exon 7) of the SLC5A2 gene. This alteration results from a T to C substitution at nucleotide position 697, causing the tyrosine (Y) at amino acid position 233 to be replaced by a histidine (H). Based on data from gnomAD, the C allele has an overall frequency of 0.001% (2/250950) total alleles studied. The highest observed frequency was 0.002% (2/113394) of European (non-Finnish) alleles. This amino acid position is highly conserved in available vertebrate species. This alteration is predicted to be deleterious by in silico analysis. Based on insufficient or conflicting evidence, the clinical significance of this alteration remains unclear.

Literature cited by the submitters: PubMed 22314875 (cited by Victorian Clinical Genetics Services, Murdoch Childrens Research Institute); PubMed 28365451 (cited by Victorian Clinical Genetics Services, Murdoch Childrens Research Institute); PubMed 24908283 (cited by Victorian Clinical Genetics Services, Murdoch Childrens Research Institute); PubMed 21165652 (cited by Victorian Clinical Genetics Services, Murdoch Childrens Research Institute).

NM_003041.4(SLC5A2):c.697T>C (p.Tyr233His)

Gene: SLC5A2 (solute carrier family 5 member 2; plus strand). Cytogenetic location: 16p11.2.
Variant type: single nucleotide variant.
Coding change: c.697T>C on transcript NM_003041.4 (MANE Select); coding-DNA position 697, T replaced by C.
Protein change: p.Tyr233His; replaces tyrosine 233 with histidine.
Molecular consequence: missense variant. On other transcripts: non-coding transcript variant (1).
Genome position (GRCh38, 1-based): chr16:31,487,571, T>C. VCF-style: chr16-31487571-T-C. GRCh37 (hg19) VCF-style: chr16-31498892-T-C.
Other names: short protein forms Y233H.
Identifiers: ClinVar variation 3165237 (VCV003165237.4), dbSNP rs1202125232, ClinGen allele CA395753565.